The following is an entry in ClinVar:

NM_001042492.3(NF1):c.7167_7170dup (p.Val2391fs)

Gene: NF1 (neurofibromin 1; plus strand). Cytogenetic location: 17q11.2.
Variant type: Duplication.
Coding change: c.7167_7170dup on transcript NM_001042492.3 (MANE Select); coding-DNA positions 7167 to 7170, 4 bases duplicated (ATTG; older notation c.7167_7170dupATTG).
Protein change: p.Val2391fs; shifts the reading frame from valine 2391.
Molecular consequence: frameshift variant.
Genome position (GRCh38, 1-based): chr17:31,343,113-31,343,116, ATTG duplicated. VCF-style (leftmost placement, unchanged base first): chr17-31343112-C-CATTG. GRCh37 (hg19) VCF-style: chr17-29670130-C-CATTG.
Other names: c.7104_7107dup, p.Val2370Ilefs (NM_000267.4); short protein forms V2370fs, V2391fs.
Identifiers: ClinVar variation 3658965 (VCV003658965.2).
Genomic context (GRCh38, chr17:31,343,112, plus strand): 5'-GGCACTGCAAGCAAATGGATCATTTTGTTGGACTCAATTTCAACTCTAACTTTAACTTTG[C>CATTG]ATTGGTTGGACACCTTTTAAAAGGTAAAAAAGCCTTATTTAGAATATTTTTATGAAGTAC-3'

ClinVar aggregate classification (germline): Pathogenic (1 of 4 stars; one submission).

Conditions:
Neurofibromatosis, type 1 (NF1). Also called: Peripheral type neurofibromatosis; VON RECKLINGHAUSEN DISEASE; NEUROFIBROMATOSIS, TYPE I, SOMATIC; Neurofibromatosis, type I. Identifiers: Orphanet 636, MedGen C0027831, MONDO:0018975, OMIM 162200. Disease mechanism: loss of function.

Submission:

Labcorp Genetics (formerly Invitae), Labcorp
Classification: Pathogenic for Neurofibromatosis, type 1. Last evaluated: 2024-07-08. Review status: criteria provided, single submitter. Criteria: Invitae Variant Classification Sherloc (09022015). Collection method: clinical testing. Allele origin: germline.
Comment: This sequence change creates a premature translational stop signal (p.Val2370Ilefs*32) in the NF1 gene. It is expected to result in an absent or disrupted protein product. Loss-of-function variants in NF1 are known to be pathogenic (PMID: 10712197, 23913538). This variant is not present in population databases (gnomAD no frequency). This variant has not been reported in the literature in individuals affected with NF1-related conditions. For these reasons, this variant has been classified as Pathogenic.

Literature cited by the submitters: PubMed 10712197; PubMed 23913538.